The following is an entry in ClinVar:

NM_015311.3(OBSL1):c.5414-8A>C

Gene: OBSL1 (obscurin like cytoskeletal adaptor 1; minus strand). Cytogenetic location: 2q35.
Variant type: single nucleotide variant.
Coding change: c.5414-8A>C on transcript NM_015311.3 (MANE Select); 8 bases into the intron before coding-DNA position 5414, A replaced by C.
Molecular consequence: intron variant.
Genome position (GRCh38, 1-based): chr2:219,551,806, T>G on the plus strand (A>C on the coding strand, the complement: OBSL1 is on the minus strand). VCF-style: chr2-219551806-T-G. GRCh37 (hg19) VCF-style: chr2-220416528-T-G.
Identifiers: ClinVar variation 1908615 (VCV001908615.5), dbSNP rs367837303, ClinGen allele CA2580065779.

ClinVar aggregate classification (germline): Uncertain significance (1 of 4 stars; one submission).

Submission:

Labcorp Genetics (formerly Invitae), Labcorp
Classification: Uncertain significance. Last evaluated: 2022-05-27. Review status: criteria provided, single submitter. Criteria: Invitae Variant Classification Sherloc (09022015). Collection method: clinical testing. Allele origin: germline.
Comment: In summary, the available evidence is currently insufficient to determine the role of this variant in disease. Therefore, it has been classified as a Variant of Uncertain Significance. Algorithms developed to predict the effect of sequence changes on RNA splicing suggest that this variant may disrupt the consensus splice site. This variant has not been reported in the literature in individuals affected with OBSL1-related conditions. This variant is not present in population databases (gnomAD no frequency). This sequence change falls in intron 19 of the OBSL1 gene. It does not directly change the encoded amino acid sequence of the OBSL1 protein.